The following is an entry in ClinVar:

ClinVar aggregate classification (germline): Uncertain significance. Review status: criteria provided, multiple submitters, no conflicts (2 of 4 stars). 2 submissions from 2 submitters: Uncertain significance (2). Last evaluated 2025-08-10.

Conditions:
Inborn genetic diseases. Identifiers: MedGen C0950123, MeSH D030342.
Mitochondrial DNA depletion syndrome 9 (MTDPS9). Also called: SUCLG1-Related Mitochondrial DNA Depletion Syndrome, Encephalomyopathic Form with Methylmalonic Aciduria. Identifiers: Orphanet 17, MedGen C3151476, MONDO:0009504, OMIM 245400.

Allele frequency attached by ClinVar (database versions not stated): gnomAD exomes below 0.00001; ExAC 0.00001; TOPMed 0.00001; ESP Exome Variant Server 0.00015.
gnomAD v4.1: 4 of 1,614,176 alleles (0.00025%); highest among the groups gnomAD compares: African/African-American, 0.0053%; no homozygotes.

Submissions (2):

Ambry Genetics
Classification: Uncertain significance for Inborn genetic diseases. Last evaluated: 2025-08-10. Review status: criteria provided, single submitter. Criteria: Ambry Variant Classification Scheme 2023. Collection method: clinical testing. Allele origin: germline.

Labcorp Genetics (formerly Invitae), Labcorp
Classification: Uncertain significance for Mitochondrial DNA depletion syndrome 9. Last evaluated: 2023-04-27. Review status: criteria provided, single submitter. Criteria: Invitae Variant Classification Sherloc (09022015). Collection method: clinical testing. Allele origin: germline.
Comment: In summary, the available evidence is currently insufficient to determine the role of this variant in disease. Therefore, it has been classified as a Variant of Uncertain Significance. Advanced modeling of protein sequence and biophysical properties (such as structural, functional, and spatial information, amino acid conservation, physicochemical variation, residue mobility, and thermodynamic stability) has been performed at Invitae for this missense variant, however the output from this modeling did not meet the statistical confidence thresholds required to predict the impact of this variant on SUCLG1 protein function. This variant has not been reported in the literature in individuals affected with SUCLG1-related conditions. This variant is present in population databases (rs371630011, gnomAD 0.007%). This sequence change replaces valine, which is neutral and non-polar, with glycine, which is neutral and non-polar, at codon 120 of the SUCLG1 protein (p.Val120Gly).

NM_003849.4(SUCLG1):c.359T>G (p.Val120Gly)

Gene: SUCLG1 (succinate-CoA ligase GDP/ADP-forming subunit alpha; minus strand). Cytogenetic location: 2p11.2.
Variant type: single nucleotide variant.
Coding change: c.359T>G on transcript NM_003849.4 (MANE Select); coding-DNA position 359, T replaced by G.
Protein change: p.Val120Gly; replaces valine 120 with glycine.
Molecular consequence: missense variant.
Genome position (GRCh38, 1-based): chr2:84,441,419, A>C on the plus strand (T>G on the coding strand, the complement: SUCLG1 is on the minus strand). VCF-style: chr2-84441419-A-C. GRCh37 (hg19) VCF-style: chr2-84668543-A-C.
Other names: c.359T>G (NM_003849.3); short protein forms V120G.
Identifiers: ClinVar variation 2694952 (VCV002694952.4), dbSNP rs371630011, ClinGen allele CA1736323.